The following is an entry in ClinVar:

NM_004606.5(TAF1):c.2053A>G (p.Ser685Gly)

Gene: TAF1 (TATA-box binding protein associated factor 1; plus strand). Cytogenetic location: Xq13.1.
Variant type: single nucleotide variant.
Coding change: c.2053A>G on transcript NM_004606.5 (MANE Select); coding-DNA position 2053, A replaced by G.
Protein change: p.Ser685Gly; replaces serine 685 with glycine.
Molecular consequence: missense variant. On other transcripts: non-coding transcript variant (9).
Genome position (GRCh38, 1-based): chrX:71,384,067, A>G. VCF-style: chrX-71384067-A-G. GRCh37 (hg19) VCF-style: chrX-70603917-A-G.
Other names: c.2053A>G, p.Ser685Gly (NM_001286074.2, NM_001440852.1, NM_001440853.1); c.1990A>G, p.Ser664Gly (NM_001440854.1, NM_138923.4); short protein forms S664G, S685G.
Identifiers: ClinVar variation 4536309 (VCV004536309.1).

ClinVar aggregate classification (germline): Uncertain significance (1 of 4 stars; one submission).

gnomAD v4.1: 4 of 1,211,698 alleles (0.00033%); highest among the groups gnomAD compares: Non-Finnish European, 0.00045%; no homozygotes.

Submission:

GeneDx
Classification: Uncertain significance. Last evaluated: 2025-06-03. Review status: criteria provided, single submitter. Criteria: GeneDx Variant Classification Process June 2021. Collection method: clinical testing. Allele origin: germline. Affected: yes.
Comment: Not observed at significant frequency in large population cohorts (gnomAD); In silico analysis supports that this missense variant has a deleterious effect on protein structure/function; Has not been previously published as pathogenic or benign to our knowledge